The following is an entry in ClinVar:

NM_001277115.2(DNAH11):c.9694_9695delinsAG (p.Val3232Arg)

Gene: DNAH11 (dynein axonemal heavy chain 11; plus strand). Cytogenetic location: 7p15.3.
Variant type: Indel.
Coding change: c.9694_9695delinsAG on transcript NM_001277115.2 (MANE Select); coding-DNA positions 9694 to 9695, GT replaced by AG.
Protein change: p.Val3232Arg; replaces valine 3232 with arginine.
Molecular consequence: missense variant.
Genome position (GRCh38, 1-based): chr7:21,786,720-21,786,721, GT replaced by AG. VCF-style: chr7-21786720-GT-AG. GRCh37 (hg19) VCF-style: chr7-21826338-GT-AG.
Other names: short protein forms V3232R.
Identifiers: ClinVar variation 4855526 (VCV004855526.1).

ClinVar aggregate classification (germline): Uncertain significance (1 of 4 stars; one submission).

Conditions:
Primary ciliary dyskinesia 7. Also called: CILIARY DYSKINESIA, PRIMARY, 7, WITH OR WITHOUT SITUS INVERSUS. Identifiers: Orphanet 244, MedGen C2678473, MONDO:0012748, OMIM 611884.

Submission:

3billion
Classification: Uncertain significance for Primary ciliary dyskinesia 7. Last evaluated: 2025-09-18. Review status: criteria provided, single submitter. Criteria: ACMG Guidelines, 2015. Collection method: clinical testing. Allele origin: germline. Affected: yes.
Comment: The variant is not observed in the gnomAD v4.1.0 dataset. Predicted Consequence/Location: Missense variant Damaging effect on gene or gene product predicted by in silico programs is uncertain [3Cnet: 0.03 (damaging >0.75, benign <0.1)]. Therefore, this variant is classified as VUS according to the recommendation of ACMG/AMP guideline.